The following is an entry in ClinVar:

NM_014639.4(SKIC3):c.3626G>A (p.Arg1209Gln)

Gene: SKIC3 (SKI3 subunit of superkiller complex; minus strand). Cytogenetic location: 5q15.
Variant type: single nucleotide variant.
Coding change: c.3626G>A on transcript NM_014639.4 (MANE Select); coding-DNA position 3626, G replaced by A.
Protein change: p.Arg1209Gln; replaces arginine 1209 with glutamine.
Molecular consequence: missense variant.
Genome position (GRCh38, 1-based): chr5:95,497,426, C>T on the plus strand (G>A on the coding strand, the complement: SKIC3 is on the minus strand). VCF-style: chr5-95497426-C-T. GRCh37 (hg19) VCF-style: chr5-94833130-C-T.
Other names: short protein forms R1209Q.
Identifiers: ClinVar variation 2421785 (VCV002421785.4), dbSNP rs183780955, ClinGen allele CA3346669.

ClinVar aggregate classification (germline): Uncertain significance. Review status: criteria provided, multiple submitters, no conflicts (2 of 4 stars). 2 submissions from 2 submitters: Uncertain significance (2). Last evaluated 2025-08-03.

Conditions:
Inborn genetic diseases. Identifiers: MedGen C0950123, MeSH D030342.

Allele frequency attached by ClinVar (database versions not stated): TOPMed 0.00002; gnomAD 0.00006; 1000 Genomes Project 30x 0.00047; 1000 Genomes Project 0.00060.
gnomAD v4.1: 127 of 1,612,984 alleles (0.0079%); highest among the groups gnomAD compares: East Asian, 0.23%; 1 homozygote.

Submissions (2):

Ambry Genetics
Classification: Uncertain significance for Inborn genetic diseases. Last evaluated: 2025-08-03. Review status: criteria provided, single submitter. Criteria: Ambry Variant Classification Scheme 2023. Collection method: clinical testing. Allele origin: germline.

Labcorp Genetics (formerly Invitae), Labcorp
Classification: Uncertain significance. Last evaluated: 2022-07-06. Review status: criteria provided, single submitter. Criteria: Invitae Variant Classification Sherloc (09022015). Collection method: clinical testing. Allele origin: germline.
Comment: This sequence change replaces arginine, which is basic and polar, with glutamine, which is neutral and polar, at codon 1209 of the TTC37 protein (p.Arg1209Gln). This variant is present in population databases (rs183780955, gnomAD 0.05%). This variant has not been reported in the literature in individuals affected with TTC37-related conditions. Algorithms developed to predict the effect of missense changes on protein structure and function output the following: SIFT: "Tolerated"; PolyPhen-2: "Benign"; Align-GVGD: "Class C0". The glutamine amino acid residue is found in multiple mammalian species, which suggests that this missense change does not adversely affect protein function. In summary, the available evidence is currently insufficient to determine the role of this variant in disease. Therefore, it has been classified as a Variant of Uncertain Significance.